The following is an entry in ClinVar:

ClinVar aggregate classification (germline): Uncertain significance. Review status: criteria provided, multiple submitters, no conflicts (2 of 4 stars). 3 submissions from 3 submitters: Uncertain significance (3). Last evaluated 2023-11-02.

Conditions:
Familial thoracic aortic aneurysm and aortic dissection (TAAD). Also called: Thoracic aortic aneurysms and dissections. Identifiers: Orphanet 91387, MedGen C4707243, MONDO:0019625.
Marfan syndrome (MFS). Also called: MARFAN SYNDROME, TYPE I; FBN1-Related Marfan Syndrome; Marfan syndrome type 1; Marfan's syndrome; Marfan syndrome, classic. Identifiers: Orphanet 284963, Orphanet 558, MedGen C0024796, MONDO:0007947, OMIM 154700.

Submissions (3):

All of Us Research Program, National Institutes of Health
Classification: Uncertain significance for Marfan syndrome. Last evaluated: 2023-11-02. Review status: criteria provided, single submitter. Criteria: ACMG Guidelines, 2015. Collection method: clinical testing. Allele origin: germline. Inheritance: Autosomal dominant inheritance. Observed: 1 variant allele, 1 heterozygote.
Comment: This missense variant replaces alanine with valine at codon 25 of the FBN1 protein. Computational prediction suggests that this variant may not impact protein structure and function (internally defined REVEL score threshold <= 0.5, PMID: 27666373). To our knowledge, functional studies have not been reported for this variant. This variant has not been reported in individuals affected with FBN1-related disorders in the literature. This variant has not been identified in the general population by the Genome Aggregation Database (gnomAD). The available evidence is insufficient to determine the role of this variant in disease conclusively. Therefore, this variant is classified as a Variant of Uncertain Significance.

This study involves interpretation of variants in research participants for the purpose of population health screening. Participant phenotype was not available at the time of variant classification. Additional details can be found in publication PMID: 35346344, PMCID: PMC8962531

Color Diagnostics, LLC DBA Color Health
Classification: Uncertain significance for Familial thoracic aortic aneurysm and aortic dissection. Last evaluated: 2023-10-11. Review status: criteria provided, single submitter. Criteria: ACMG Guidelines, 2015. Collection method: clinical testing. Allele origin: germline.
Comment: This missense variant replaces alanine with valine at codon 25 of the FBN1 protein. Computational prediction suggests that this variant may not impact protein structure and function. To our knowledge, functional studies have not been reported for this variant. This variant has not been reported in individuals affected with FBN1-related disorders in the literature. This variant has not been identified in the general population by the Genome Aggregation Database (gnomAD). The available evidence is insufficient to determine the role of this variant in disease conclusively. Therefore, this variant is classified as a Variant of Uncertain Significance.

Ambry Genetics
Classification: Uncertain significance for Familial thoracic aortic aneurysm and aortic dissection. Last evaluated: 2023-01-24. Review status: criteria provided, single submitter. Criteria: Ambry Variant Classification Scheme 2023. Collection method: clinical testing. Allele origin: germline.
Comment: The p.A25V variant (also known as c.74C>T), located in coding exon 1 of the FBN1 gene, results from a C to T substitution at nucleotide position 74. The alanine at codon 25 is replaced by valine, an amino acid with similar properties. This amino acid position is highly conserved in available vertebrate species. In addition, the in silico prediction for this alteration is inconclusive. Since supporting evidence is limited at this time, the clinical significance of this alteration remains unclear.

NM_000138.5(FBN1):c.74C>T (p.Ala25Val)

Genes: FBN1 (fibrillin 1; minus strand), LOC130057019 (ATAC-STARR-seq lymphoblastoid silent region 6417; plus strand). Cytogenetic location: 15q21.1.
Variant type: single nucleotide variant.
Coding change: c.74C>T on transcript NM_000138.5 (MANE Select); coding-DNA position 74, C replaced by T.
Protein change: p.Ala25Val; replaces alanine 25 with valine.
Molecular consequence: missense variant.
Genome position (GRCh38, 1-based): chr15:48,644,696, G>A on the plus strand (C>T on the coding strand, the complement: FBN1 is on the minus strand). VCF-style: chr15-48644696-G-A. GRCh37 (hg19) VCF-style: chr15-48936893-G-A.
Other names: c.74C>T, p.Ala25Val (NM_001406716.1, NM_001406717.1, NM_001406718.1); short protein forms A25V.
Identifiers: ClinVar variation 2453683 (VCV002453683.4), dbSNP rs2505822121, ClinGen allele CA392453749.